The following is an entry in ClinVar:

ClinVar aggregate classification (germline): Conflicting classifications of pathogenicity. Review status: criteria provided, conflicting classifications (1 of 4 stars). 19 submissions from 19 submitters: Uncertain significance (5); Benign (2); Likely benign (8). 4 of the submissions do not count toward it. Last evaluated 2026-02-03.

Conditions:
AXIN2-related disorder.
Hereditary cancer-predisposing syndrome. Also called: Tumor predisposition; Hereditary neoplastic syndrome; Neoplastic Syndromes, Hereditary; Hereditary Cancer Syndrome. Identifiers: Orphanet 140162, MedGen C0027672, MeSH D009386, MONDO:0015356.
Oligodontia-cancer predisposition syndrome. Also called: TOOTH AGENESIS-COLORECTAL CANCER SYNDROME. Identifiers: Orphanet 300576, MedGen C1837750, MONDO:0012075, OMIM 608615. Disease mechanism: loss of function.

Allele frequency attached by ClinVar (database versions not stated): 1000 Genomes Project 0.00020; ExAC 0.00030; 1000 Genomes Project 30x 0.00031; gnomAD 0.00031; gnomAD exomes 0.00034 and 0.00050; ESP Exome Variant Server 0.00038; TOPMed 0.00038.
gnomAD v4.1: 761 of 1,614,122 alleles (0.047%); highest among the groups gnomAD compares: Middle Eastern, 0.099%; no homozygotes.

Submissions (19):

Labcorp Genetics (formerly Invitae), Labcorp
Classification: Likely benign for Oligodontia-cancer predisposition syndrome. Last evaluated: 2026-02-03. Review status: criteria provided, single submitter. Criteria: Invitae Variant Classification Sherloc (09022015). Collection method: clinical testing. Allele origin: germline.

Dasa
Classification: Uncertain significance. Last evaluated: 2026-01-19. Review status: criteria provided, single submitter. Criteria: DASA Assertion Criteria. Collection method: clinical testing. Allele origin: germline.
Comment: NM_004655.4(AXIN2):c.1685C>T (p.Pro562Leu) is a missense variant that results in the substitution of proline with leucine. The variant is present at low frequency in population datasets. Based on the available data, this variant is classified as variant of uncertain significance.

CeGaT Center for Human Genetics Tuebingen
Classification: Likely benign. Last evaluated: 2026-01-01. Review status: criteria provided, single submitter. Criteria: CeGaT Center For Human Genetics Tuebingen Variant Classification Criteria Version 2. Collection method: clinical testing. Allele origin: germline. Affected: yes. Observed: 2 variant alleles.
Comment: AXIN2: BP4

Mayo Clinic Laboratories, Mayo Clinic
Classification: Uncertain significance. Last evaluated: 2025-10-24. Review status: criteria provided, single submitter. Criteria: ACMG Guidelines, 2015. Collection method: clinical testing. Allele origin: germline. Observed: 1 variant allele.
Comment: BP4_moderate

Center for Genomic Medicine, Rigshospitalet, Copenhagen University Hospital
Classification: Uncertain significance. Last evaluated: 2025-03-04. Review status: criteria provided, single submitter. Criteria: ACMG Guidelines, 2015. Collection method: clinical testing. Allele origin: germline.

Laboratory of Genetics, Children's Clinical University Hospital Latvia
Classification: Likely benign. Last evaluated: 2025-02-16. Review status: criteria provided, single submitter. Criteria: ACMG Guidelines, 2015. Collection method: clinical testing. Allele origin: germline. Affected: yes.

Blueprint Genetics
Classification: Likely benign. Last evaluated: 2024-11-21. Review status: criteria provided, single submitter. Criteria: ACMG Guidelines, 2015. Collection method: clinical testing. Allele origin: germline.

Quest Diagnostics Nichols Institute San Juan Capistrano
Classification: Likely benign. Last evaluated: 2023-03-09. Review status: criteria provided, single submitter. Criteria: Quest Diagnostics criteria. Collection method: clinical testing. Allele origin: unknown.

Women's Health and Genetics/Laboratory Corporation of America, LabCorp
Classification: Benign. Last evaluated: 2022-05-02. Review status: criteria provided, single submitter. Criteria: LabCorp Variant Classification Summary - May 2015. Collection method: clinical testing. Allele origin: germline.
Comment: Variant summary: AXIN2 c.1685C>T (p.Pro562Leu) results in a non-conservative amino acid change in the encoded protein sequence. Four of five in-silico tools predict a benign effect of the variant on protein function. The variant allele was found at a frequency of 0.00034 in 249918 control chromosomes (gnomAD), predominantly at a frequency of 0.00064 within the Non-Finnish European subpopulation in the gnomAD database. The observed variant frequency within Non-Finnish European control individuals in the gnomAD database is approximately 4.5 fold of the estimated maximal expected allele frequency for a pathogenic variant in AXIN2 causing Colorectal Cancer phenotype (0.00014), strongly suggesting that the variant is a benign polymorphism found primarily in populations of Non-Finnish European origin. c.1685C>T has been reported in the literature in individuals of Non-Finnish European ancestry affected tooth agenesis (Keskin_2021), Colorectal Cancer (Chan_2021), and Breast Cancer (Moradian_2021). These reports do not provide unequivocal conclusions about association of the variant with disease. To our knowledge, no experimental evidence demonstrating an impact on protein function has been reported. Six ClinVar submitters have assessed the variant since 2014: two classified the variant as of uncertain significance, three as likely benign, and one as benign. Based on the evidence outlined above, the variant was classified as benign.

Institute for Clinical Genetics, University Hospital TU Dresden, University Hospital TU Dresden
Classification: Likely benign. Last evaluated: 2021-11-03. Review status: criteria provided, single submitter. Criteria: ACMG Guidelines, 2015. Collection method: clinical testing. Allele origin: germline.

Sema4
Classification: Likely benign for Hereditary cancer-predisposing syndrome. Last evaluated: 2021-03-29. Review status: criteria provided, single submitter. Criteria: Sema4 Curation Guidelines. Collection method: curation. Allele origin: germline.

GeneDx
Classification: Uncertain significance. Last evaluated: 2021-02-19. Review status: criteria provided, single submitter. Criteria: GeneDx Variant Classification Process June 2021. Collection method: clinical testing. Allele origin: germline. Affected: yes.
Comment: In silico analysis supports that this missense variant does not alter protein structure/function; Observed in individuals with primary melanoma but also in healthy controls (Pedace 2011); This variant is associated with the following publications: (PMID: 21294210, 26224873, 27739435, 28717660)

Baylor Genetics
Classification: Uncertain significance for Oligodontia-cancer predisposition syndrome. Last evaluated: 2019-01-17. Review status: criteria provided, single submitter. Criteria: ACMG Guidelines, 2015. Collection method: clinical testing. Allele origin: maternal. Affected: yes. Study: CSER-TexasKidsCanSeq.
Comment: This variant was determined to be of uncertain significance according to ACMG Guidelines, 2015 [PMID:25741868].

Ambry Genetics
Classification: Likely benign for Hereditary cancer-predisposing syndrome. Last evaluated: 2018-10-29. Review status: criteria provided, single submitter. Criteria: Ambry Variant Classification Scheme 2023. Collection method: clinical testing. Allele origin: germline.

Illumina Laboratory Services, Illumina
Classification: Benign for Oligodontia-cancer predisposition syndrome. Last evaluated: 2018-01-13. Review status: criteria provided, single submitter. Criteria: ICSL Variant Classification Criteria 13 December 2019. Collection method: clinical testing. Allele origin: germline.
Comment: This variant was observed in the ICSL laboratory as part of a predisposition screen in an ostensibly healthy population. It had not been previously curated by ICSL or reported in the Human Gene Mutation Database (HGMD: prior to June 1st, 2018), and was therefore a candidate for classification through an automated scoring system. Utilizing variant allele frequency, disease prevalence and penetrance estimates, and inheritance mode, an automated score was calculated to assess if this variant is too frequent to cause the disease. Based on the score and internal cut-off values, a variant classified as benign is not then subjected to further curation. The score for this variant resulted in a classification of benign for this disease.

PreventionGenetics, part of Exact Sciences
Classification: Likely benign for AXIN2-related condition. Last evaluated: 2023-07-03. Review status: no assertion criteria provided. Collection method: clinical testing. Allele origin: germline. Not counted in ClinVar's aggregate classification.
Comment: This variant is classified as likely benign based on ACMG/AMP sequence variant interpretation guidelines (Richards et al. 2015 PMID: 25741868, with internal and published modifications).

Clinical Genetics DNA and cytogenetics Diagnostics Lab, Erasmus MC, Erasmus Medical Center
Classification: Likely benign. Review status: no assertion criteria provided. Collection method: clinical testing. Allele origin: germline. Affected: yes. Study: VKGL Data-share Consensus. Not counted in ClinVar's aggregate classification.

Clinical Genetics, Academic Medical Center
Classification: Likely benign. Review status: no assertion criteria provided. Collection method: clinical testing. Allele origin: germline. Affected: yes. Study: VKGL Data-share Consensus. Not counted in ClinVar's aggregate classification.

Diagnostic Laboratory, Department of Genetics, University Medical Center Groningen
Classification: Likely benign. Review status: no assertion criteria provided. Collection method: clinical testing. Allele origin: germline. Affected: yes. Study: VKGL Data-share Consensus. Not counted in ClinVar's aggregate classification.

Literature cited by the submitters: PubMed 21294210 (cited by Mayo Clinic Laboratories, Mayo Clinic and Quest Diagnostics Nichols Institute San Juan Capistrano); PubMed 33558524 (cited by 3 submitters); PubMed 33725141 (cited by 3 submitters); PubMed 34817745 (cited by 3 submitters); PubMed 28717660 (cited by Quest Diagnostics Nichols Institute San Juan Capistrano).

NM_004655.4(AXIN2):c.1685C>T (p.Pro562Leu)

Gene: AXIN2 (axin 2; minus strand). Cytogenetic location: 17q24.1.
Variant type: single nucleotide variant.
Coding change: c.1685C>T on transcript NM_004655.4 (MANE Select); coding-DNA position 1685, C replaced by T.
Protein change: p.Pro562Leu; replaces proline 562 with leucine.
Molecular consequence: missense variant.
Genome position (GRCh38, 1-based): chr17:65,537,351, G>A on the plus strand (C>T on the coding strand, the complement: AXIN2 is on the minus strand). VCF-style: chr17-65537351-G-A. GRCh37 (hg19) VCF-style: chr17-63533469-G-A.
Other names: p.P562L:CCG>CTG; c.1685C>T (LRG_296t1); c.1685C>T, p.Pro562Leu (NM_001363813.1); short protein forms P562L.
Identifiers: ClinVar variation 127937 (VCV000127937.64), dbSNP rs149764887, ClinGen allele CA288086.
Genomic context (GRCh38, chr17:65,537,351, plus strand): 5'-CACACGGGACACTGCGGTCCGCCCGGCACTTACCCAAACTGCTCGCTGGGCATGGTTTCC[G>A]GAGCCTTGGAGTGGCTTTTGCATTTCGAGTAGCAGTAATACTCGCTGCCCCCAGGGCAGA-3'
Protein context (NP_004646.3, residues 552-572): YSKCKSHSKA[Pro562Leu]ETMPSEQFGG